The following is an entry in ClinVar:

ClinVar aggregate classification (germline): Likely benign (1 of 4 stars; one submission).

Allele frequency attached by ClinVar (database versions not stated): gnomAD exomes below 0.00001.
gnomAD v4.1: 1 of 1,612,694 alleles (0.000062%); highest among the groups gnomAD compares: Non-Finnish European, 0.000085%; no homozygotes.

Submission:

GeneDx
Classification: Likely benign. Last evaluated: 2016-08-01. Review status: criteria provided, single submitter. Criteria: GeneDx Variant Classification (06012015). Collection method: clinical testing. Allele origin: germline. Affected: yes.
Comment: This variant is considered likely benign or benign based on one or more of the following criteria: it is a conservative change, it occurs at a poorly conserved position in the protein, it is predicted to be benign by multiple in silico algorithms, and/or has population frequency not consistent with disease.

NM_000051.4(ATM):c.3576+10G>A

Gene: ATM (ATM serine/threonine kinase; plus strand). Cytogenetic location: 11q22.3.
Variant type: single nucleotide variant.
Coding change: c.3576+10G>A on transcript NM_000051.4 (MANE Select); 10 bases into the intron after coding-DNA position 3576, G replaced by A.
Molecular consequence: intron variant.
Genome position (GRCh38, 1-based): chr11:108,281,178, G>A. VCF-style: chr11-108281178-G-A. GRCh37 (hg19) VCF-style: chr11-108151905-G-A.
Other names: c.3576+10G>A (NM_001351834.2).
Identifiers: ClinVar variation 388303 (VCV000388303.1), dbSNP rs1057523063, ClinGen allele CA16606171.